The following is an entry in ClinVar:

ClinVar aggregate classification (germline): Likely pathogenic (1 of 4 stars; one submission).

Conditions:
Primary ciliary dyskinesia. Also called: Ciliary dyskinesia. Identifiers: Orphanet 244, MedGen C0008780, MONDO:0016575, HP:0012265.

Submission:

Labcorp Genetics (formerly Invitae), Labcorp
Classification: Likely pathogenic for Primary ciliary dyskinesia. Last evaluated: 2025-02-24. Review status: criteria provided, single submitter. Criteria: Invitae Variant Classification Sherloc (09022015). Collection method: clinical testing. Allele origin: germline.
Comment: This sequence change affects a donor splice site in intron 8 of the CCDC114 gene. It is expected to disrupt RNA splicing. Variants that disrupt the donor or acceptor splice site typically lead to a loss of protein function (PMID: 16199547), and loss-of-function variants in CCDC114 are known to be pathogenic (PMID: 23261302, 23261303). This variant is not present in population databases (gnomAD no frequency). This variant has not been reported in the literature in individuals affected with CCDC114-related conditions. ClinVar contains an entry for this variant (Variation ID: 2819700). Algorithms developed to predict the effect of sequence changes on RNA splicing suggest that this variant may disrupt the consensus splice site. In summary, the currently available evidence indicates that the variant is pathogenic, but additional data are needed to prove that conclusively. Therefore, this variant has been classified as Likely Pathogenic.

Literature cited by the submitters: PubMed 16199547; PubMed 23261302; PubMed 23261303.

NM_001364171.2(ODAD1):c.988+2T>C

Gene: ODAD1 (outer dynein arm docking complex subunit 1; minus strand). Cytogenetic location: 19q13.33.
Variant type: single nucleotide variant.
Coding change: c.988+2T>C on transcript NM_001364171.2 (MANE Select); the canonical splice donor site of the intron after coding-DNA position 988, T replaced by C.
Molecular consequence: splice donor variant.
Genome position (GRCh38, 1-based): chr19:48,303,648, A>G on the plus strand (T>C on the coding strand, the complement: ODAD1 is on the minus strand). VCF-style: chr19-48303648-A-G. GRCh37 (hg19) VCF-style: chr19-48806905-A-G.
Other names: c.877+2T>C (NM_144577.4).
Identifiers: ClinVar variation 2819700 (VCV002819700.3), dbSNP rs2515937569, ClinGen allele CA406660911.